The following is an entry in ClinVar:

ClinVar aggregate classification (germline): Uncertain significance (1 of 4 stars; one submission).

Submission:

GeneDx
Classification: Uncertain significance. Last evaluated: 2020-01-27. Review status: criteria provided, single submitter. Criteria: GeneDx Variant Classification Process June 2021. Collection method: clinical testing. Allele origin: germline. Affected: yes.
Comment: Not observed in large population cohorts (Lek et al., 2016); In silico analysis, which includes protein predictors and evolutionary conservation, supports a deleterious effect; Has not been previously published as pathogenic or benign to our knowledge

NM_004958.4(MTOR):c.2677G>A (p.Ala893Thr)

Gene: MTOR (mechanistic target of rapamycin kinase; minus strand). Cytogenetic location: 1p36.22.
Variant type: single nucleotide variant.
Coding change: c.2677G>A on transcript NM_004958.4 (MANE Select); coding-DNA position 2677, G replaced by A.
Protein change: p.Ala893Thr; replaces alanine 893 with threonine.
Molecular consequence: missense variant.
Genome position (GRCh38, 1-based): chr1:11,231,027, C>T on the plus strand (G>A on the coding strand, the complement: MTOR is on the minus strand). VCF-style: chr1-11231027-C-T. GRCh37 (hg19) VCF-style: chr1-11291084-C-T.
Other names: c.2677G>A, p.Ala893Thr (NM_001386500.1); c.1429G>A, p.Ala477Thr (NM_001386501.1); short protein forms A477T, A893T.
Identifiers: ClinVar variation 1311428 (VCV001311428.2), dbSNP rs2100866284, ClinGen allele CA338381270.